The following is an entry in ClinVar:

ClinVar aggregate classification (germline): Uncertain significance (1 of 4 stars; one submission).

Allele frequency attached by ClinVar (database versions not stated): ExAC 0.00002; gnomAD exomes 0.00002; TOPMed 0.00004; gnomAD 0.00005.
gnomAD v4.1: 51 of 1,604,282 alleles (0.0032%); highest among the groups gnomAD compares: Non-Finnish European, 0.0042%; no homozygotes.

Submission:

Labcorp Genetics (formerly Invitae), Labcorp
Classification: Uncertain significance. Last evaluated: 2021-10-22. Review status: criteria provided, single submitter. Criteria: Invitae Variant Classification Sherloc (09022015). Collection method: clinical testing. Allele origin: germline.
Comment: This sequence change replaces serine with proline at codon 4 of the PISD protein (p.Ser4Pro). The serine residue is weakly conserved and there is a moderate physicochemical difference between serine and proline. This variant is present in population databases (rs748813948, ExAC 0.003%). This variant has not been reported in the literature in individuals affected with PISD-related conditions. Algorithms developed to predict the effect of missense changes on protein structure and function are either unavailable or do not agree on the potential impact of this missense change (SIFT: "Not Available"; PolyPhen-2: "Benign"; Align-GVGD: "Not Available"). In summary, the available evidence is currently insufficient to determine the role of this variant in disease. Therefore, it has been classified as a Variant of Uncertain Significance.

NM_001326411.2(PISD):c.10T>C (p.Ser4Pro)

Genes: PISD (phosphatidylserine decarboxylase; minus strand), LOC126863123 (P300/CBP strongly-dependent group 1 enhancer GRCh37_chr22:32057235-32058434; plus strand). Cytogenetic location: 22q12.2.
Variant type: single nucleotide variant.
Coding change: c.10T>C on transcript NM_001326411.2 (MANE Select); coding-DNA position 10, T replaced by C.
Protein change: p.Ser4Pro; replaces serine 4 with proline.
Molecular consequence: missense variant. On other transcripts: 5 prime UTR variant (8).
Genome position (GRCh38, 1-based): chr22:31,662,199, A>G on the plus strand (T>C on the coding strand, the complement: PISD is on the minus strand). VCF-style: chr22-31662199-A-G. GRCh37 (hg19) VCF-style: chr22-32058185-A-G.
Other names: c.10T>C, p.Ser4Pro (NM_001326412.1, NM_001326421.1); c.-140T>C (NM_001326413.2); c.-220T>C (NM_001326414.2); c.-433T>C (NM_001326415.2); c.-622T>C (NM_001326416.2); c.-513T>C (NM_001326417.2, NM_001326419.2); c.-91T>C (NM_001326418.2, NM_001326420.2); short protein forms S4P.
Identifiers: ClinVar variation 1392657 (VCV001392657.4), dbSNP rs748813948, ClinGen allele CA10195051.